The following is an entry in ClinVar:

ClinVar aggregate classification (germline): Likely benign (1 of 4 stars; one submission).

Conditions:
SMARCC1-related disorder. Also called: SMARCC1-related condition.

gnomAD v4.1: 46 of 1,613,128 alleles (0.0029%); highest among the groups gnomAD compares: African/African-American, 0.004%; no homozygotes.

Submission:

PreventionGenetics, part of Exact Sciences
Classification: Likely benign for SMARCC1-related condition. Last evaluated: 2024-12-20. Review status: criteria provided, single submitter. Criteria: ACMG Guidelines, 2015. Collection method: clinical testing. Allele origin: germline.
Comment: This variant is classified as likely benign based on ACMG/AMP sequence variant interpretation guidelines (Richards et al. 2015 PMID: 25741868, with internal and published modifications).

NM_003074.4(SMARCC1):c.1107G>A (p.Lys369=)

Gene: SMARCC1 (SWI/SNF related BAF chromatin remodeling complex subunit C1; minus strand). Cytogenetic location: 3p21.31.
Variant type: single nucleotide variant.
Coding change: c.1107G>A on transcript NM_003074.4 (MANE Select); coding-DNA position 1107, G replaced by A.
Protein change: p.Lys369=; no amino-acid change (lysine 369 retained).
Molecular consequence: synonymous variant.
Genome position (GRCh38, 1-based): chr3:47,701,336, C>T on the plus strand (G>A on the coding strand, the complement: SMARCC1 is on the minus strand). VCF-style: chr3-47701336-C-T. GRCh37 (hg19) VCF-style: chr3-47742826-C-T.
Identifiers: ClinVar variation 4981204 (VCV004981204.1).